The following is an entry in ClinVar:

ClinVar aggregate classification (germline): Likely benign (1 of 4 stars; one submission).

Submission:

CeGaT Center for Human Genetics Tuebingen
Classification: Likely benign. Last evaluated: 2022-04-01. Review status: criteria provided, single submitter. Criteria: CeGaT Center For Human Genetics Tuebingen Variant Classification Criteria Version 2. Collection method: clinical testing. Allele origin: germline. Affected: yes. Observed: 1 variant allele.
Comment: CRYBG1: PM2:Supporting, BP4, BP7

NM_001371242.2(CRYBG1):c.2982T>G (p.Pro994=)

Genes: CRYBG1 (crystallin beta-gamma domain containing 1; plus strand), LOC126859757 (CDK7 strongly-dependent group 2 enhancer GRCh37_chr6:106967140-106968339; plus strand). Cytogenetic location: 6q21.
Variant type: single nucleotide variant.
Coding change: c.2982T>G on transcript NM_001371242.2 (MANE Select); coding-DNA position 2982, T replaced by G.
Protein change: p.Pro994=; no amino-acid change (proline 994 retained).
Molecular consequence: synonymous variant.
Genome position (GRCh38, 1-based): chr6:106,520,190, T>G. VCF-style: chr6-106520190-T-G. GRCh37 (hg19) VCF-style: chr6-106968065-T-G.
Other names: c.1758T>G, p.Pro586= (NM_001624.4).
Identifiers: ClinVar variation 2656806 (VCV002656806.24), dbSNP rs2482094140, ClinGen allele CA451578470.